The following is an entry in ClinVar:

NM_016277.5(RAB23):c.594T>G (p.Gly198=)

Gene: RAB23 (RAB23, member RAS oncogene family; minus strand). Cytogenetic location: 6p12.1.
Variant type: single nucleotide variant.
Coding change: c.594T>G on transcript NM_016277.5 (MANE Select); coding-DNA position 594, T replaced by G.
Protein change: p.Gly198=; no amino-acid change (glycine 198 retained).
Molecular consequence: synonymous variant. On other transcripts: non-coding transcript variant (1).
Genome position (GRCh38, 1-based): chr6:57,190,581, A>C on the plus strand (T>G on the coding strand, the complement: RAB23 is on the minus strand). VCF-style: chr6-57190581-A-C. GRCh37 (hg19) VCF-style: chr6-57055379-A-C.
Other names: c.594T>G (NM_183227.2); c.594T>G, p.Gly198= (NM_001278666.2, NM_001278667.2, NM_001278668.2 and 1 more transcripts).
Identifiers: ClinVar variation 1099069 (VCV001099069.10), dbSNP rs151203723, ClinGen allele CA3873749.
Genomic context (GRCh38, chr6:57,190,581, plus strand): 5'-TCTAAGATTGATGACATCTCCACCATTGAGGGTACCTGAATTCTGACCGGAGTGACTTCC[A>C]CCAGATGTATTAAAGACACCTGTATAAATTGAGGGAAAAGAGTGATTGCCACTGACACGC-3'
Protein context (NP_057361.3, residues 188-208): SNKIGVFNTS[Gly198=]GSHSGQNSGT

ClinVar aggregate classification (germline): Likely benign. Review status: criteria provided, single submitter (1 of 4 stars). 2 submissions from 2 submitters: Likely benign (1). 1 of the submissions does not count toward it. Last evaluated 2024-02-23.

Conditions:
Carpenter syndrome. Identifiers: Orphanet 65759, MedGen C1275078, MONDO:0019012.
RAB23-related disorder. Also called: RAB23-related condition.

Allele frequency attached by ClinVar (database versions not stated): gnomAD exomes 0.00001 and 0.00002; ExAC 0.00003; ESP Exome Variant Server 0.00008; gnomAD 0.00008 and 0.00009; TOPMed 0.00013.
gnomAD v4.1: 28 of 1,613,950 alleles (0.0017%); highest among the groups gnomAD compares: African/African-American, 0.028%; no homozygotes.

Submissions (2):

Labcorp Genetics (formerly Invitae), Labcorp
Classification: Likely benign for Carpenter syndrome. Last evaluated: 2024-02-23. Review status: criteria provided, single submitter. Criteria: Invitae Variant Classification Sherloc (09022015). Collection method: clinical testing. Allele origin: germline.

PreventionGenetics, part of Exact Sciences
Classification: Uncertain significance for RAB23-related condition. Last evaluated: 2024-08-20. Review status: no assertion criteria provided. Collection method: clinical testing. Allele origin: germline. Not counted in ClinVar's aggregate classification.
Comment: The RAB23 c.594T>G variant is not predicted to result in an amino acid change (p.=). This variant is predicted to alter splicing based on available splicing prediction software (SpliceAI, Jaganathan et al. 2019. PubMed ID: 30661751). However, the use of computer prediction softwares is not equivalent to functional evidence. To our knowledge, this variant has not been reported in the literature. This variant is reported in 0.024% of alleles in individuals of African descent in gnomAD. At this time, the clinical significance of this variant is uncertain due to the absence of conclusive functional and genetic evidence.